The following is an entry in ClinVar:

NM_000543.5(SMPD1):c.1736G>T (p.Gly579Val)

Gene: SMPD1 (sphingomyelin phosphodiesterase 1; plus strand). Cytogenetic location: 11p15.4.
Variant type: single nucleotide variant.
Coding change: c.1736G>T on transcript NM_000543.5 (MANE Select); coding-DNA position 1736, G replaced by T.
Protein change: p.Gly579Val; replaces glycine 579 with valine.
Molecular consequence: missense variant. On other transcripts: 3 prime UTR variant (1), non-coding transcript variant (2).
Genome position (GRCh38, 1-based): chr11:6,394,447, G>T. VCF-style: chr11-6394447-G-T. GRCh37 (hg19) VCF-style: chr11-6415677-G-T.
Other names: c.1733G>T, p.Gly578Val (NM_001007593.3); c.*229G>T (NM_001318087.2); c.815G>T, p.Gly272Val (NM_001318088.2); c.1604G>T, p.Gly535Val (NM_001365135.2); short protein forms G272V, G535V, G578V, G579V.
Identifiers: ClinVar variation 3754298 (VCV003754298.2).

ClinVar aggregate classification (germline): Likely pathogenic (1 of 4 stars; one submission).

Conditions:
Niemann-Pick disease, type B. Also called: Chronic Visceral ASMD (Niemann-Pick Disease Type B; NPD-B). Identifiers: Orphanet 77293, MedGen C0268243, MONDO:0011871, OMIM 607616. Disease mechanism: loss of function.
Niemann-Pick disease, type A. Also called: Infantile Neurovisceral ASMD (Niemann-Pick Disease Type A; NPD-A); SPHINGOMYELIN LIPIDOSIS; SPHINGOMYELINASE DEFICIENCY. Identifiers: Orphanet 77292, MedGen C0268242, MONDO:0009756, OMIM 257200. Disease mechanism: loss of function.

Submission:

Labcorp Genetics (formerly Invitae), Labcorp
Classification: Likely pathogenic for Niemann-Pick disease, type B; Niemann-Pick disease, type A. Last evaluated: 2024-02-02. Review status: criteria provided, single submitter. Criteria: Invitae Variant Classification Sherloc (09022015). Collection method: clinical testing. Allele origin: germline.
Comment: This sequence change replaces glycine, which is neutral and non-polar, with valine, which is neutral and non-polar, at codon 579 of the SMPD1 protein (p.Gly579Val). This variant is not present in population databases (gnomAD no frequency). This variant has not been reported in the literature in individuals affected with SMPD1-related conditions. Advanced modeling of protein sequence and biophysical properties (such as structural, functional, and spatial information, amino acid conservation, physicochemical variation, residue mobility, and thermodynamic stability) performed at Invitae indicates that this missense variant is expected to disrupt SMPD1 protein function with a positive predictive value of 95%. This variant disrupts the p.Gly579 amino acid residue in SMPD1. Other variant(s) that disrupt this residue have been determined to be pathogenic (PMID: 1718266, 15877209). This suggests that this residue is clinically significant, and that variants that disrupt this residue are likely to be disease-causing. In summary, the currently available evidence indicates that the variant is pathogenic, but additional data are needed to prove that conclusively. Therefore, this variant has been classified as Likely Pathogenic.

Literature cited by the submitters: PubMed 1718266; PubMed 15877209.